The following is an entry in ClinVar:

NM_004360.5(CDH1):c.26C>T (p.Ser9Leu)

Gene: CDH1 (cadherin 1; plus strand). Cytogenetic location: 16q22.1.
Variant type: single nucleotide variant.
Coding change: c.26C>T on transcript NM_004360.5 (MANE Select); coding-DNA position 26, C replaced by T.
Protein change: p.Ser9Leu; replaces serine 9 with leucine.
Molecular consequence: missense variant. On other transcripts: 5 prime UTR variant (2).
Genome position (GRCh38, 1-based): chr16:68,737,441, C>T. VCF-style: chr16-68737441-C-T. GRCh37 (hg19) VCF-style: chr16-68771344-C-T.
Other names: c.26C>T, p.Ser9Leu (NM_001317184.2); c.-1590C>T (NM_001317185.2); c.-1794C>T (NM_001317186.2); c.26C>T (LRG_301t1); short protein forms S9L.
Identifiers: ClinVar variation 479485 (VCV000479485.17), dbSNP rs1555509646, ClinGen allele CA396451343.

ClinVar aggregate classification (germline): Conflicting classifications of pathogenicity. Review status: criteria provided, conflicting classifications (1 of 4 stars). 2 submissions from 2 submitters: Uncertain significance (1); Likely benign (1). Last evaluated 2025-11-26.

Conditions:
Hereditary cancer-predisposing syndrome. Also called: Tumor predisposition; Neoplastic Syndromes, Hereditary; Hereditary Cancer Syndrome; Hereditary neoplastic syndrome. Identifiers: Orphanet 140162, MedGen C0027672, MeSH D009386, MONDO:0015356.
Hereditary diffuse gastric adenocarcinoma (HDGC). Also called: DIFFUSE GASTRIC AND LOBULAR BREAST CANCER SYNDROME. Identifiers: Orphanet 26106, MedGen C1708349, MONDO:0007648, OMIM 137215.

gnomAD v4.1: 1 of 1,535,660 alleles (0.000065%); highest among the groups gnomAD compares: Non-Finnish European, 0.000087%; no homozygotes.

Submissions (2):

Ambry Genetics
Classification: Likely benign for Hereditary cancer-predisposing syndrome. Last evaluated: 2025-11-26. Review status: criteria provided, single submitter. Criteria: Ambry Variant Classification Scheme 2023. Collection method: clinical testing. Allele origin: germline.

Labcorp Genetics (formerly Invitae), Labcorp
Classification: Uncertain significance for Hereditary diffuse gastric adenocarcinoma. Last evaluated: 2024-03-28. Review status: criteria provided, single submitter. Criteria: Invitae Variant Classification Sherloc (09022015). Collection method: clinical testing. Allele origin: germline.
Comment: This sequence change replaces serine, which is neutral and polar, with leucine, which is neutral and non-polar, at codon 9 of the CDH1 protein (p.Ser9Leu). This variant is not present in population databases (gnomAD no frequency). This variant has not been reported in the literature in individuals affected with CDH1-related conditions. ClinVar contains an entry for this variant (Variation ID: 479485). An algorithm developed to predict the effect of missense changes on protein structure and function (PolyPhen-2) suggests that this variant is likely to be tolerated. In summary, the available evidence is currently insufficient to determine the role of this variant in disease. Therefore, it has been classified as a Variant of Uncertain Significance.